The following is an entry in ClinVar:

ClinVar aggregate classification (germline): Conflicting classifications of pathogenicity. Review status: criteria provided, conflicting classifications (1 of 4 stars). 5 submissions from 5 submitters: Uncertain significance (4); Likely benign (1). Last evaluated 2025-09-07.

Conditions:
Hereditary cancer-predisposing syndrome. Also called: Neoplastic Syndromes, Hereditary; Tumor predisposition; Hereditary Cancer Syndrome; Hereditary neoplastic syndrome. Identifiers: Orphanet 140162, MedGen C0027672, MeSH D009386, MONDO:0015356.
Hereditary breast ovarian cancer syndrome. Also called: Hereditary breast and ovarian cancer syndrome; BRCA1- and BRCA2-Associated Hereditary Breast and Ovarian Cancer; Breast and ovarian cancer; Hereditary breast and/or ovarian cancer syndrome; Hereditary breast and ovarian cancer; Hereditary breast and ovarian cancer syndrome (HBOC). Identifiers: Orphanet 145, MedGen C0677776, MeSH D061325, MONDO:0003582. Disease mechanism: loss of function.

Allele frequency attached by ClinVar (database versions not stated): gnomAD exomes below 0.00001; TOPMed 0.00001.
gnomAD v4.1: 1 of 1,613,820 alleles (0.000062%); highest among the groups gnomAD compares: Admixed American, 0.0017%; no homozygotes.

Submissions (5):

Labcorp Genetics (formerly Invitae), Labcorp
Classification: Uncertain significance for Hereditary breast ovarian cancer syndrome. Last evaluated: 2025-09-07. Review status: criteria provided, single submitter. Criteria: Invitae Variant Classification Sherloc (09022015). Collection method: clinical testing. Allele origin: germline.
Comment: This sequence change replaces glutamic acid, which is acidic and polar, with glycine, which is neutral and non-polar, at codon 1550 of the BRCA2 protein (p.Glu1550Gly). This variant is not present in population databases (gnomAD no frequency). This missense change has been observed in individual(s) with BRCA2-related conditions (PMID: 33078592, 36922933). ClinVar contains an entry for this variant (Variation ID: 234152). Invitae Evidence Modeling of protein sequence and biophysical properties (such as structural, functional, and spatial information, amino acid conservation, physicochemical variation, residue mobility, and thermodynamic stability) indicates that this missense variant is not expected to disrupt BRCA2 protein function with a negative predictive value of 95%. In summary, the available evidence is currently insufficient to determine the role of this variant in disease. Therefore, it has been classified as a Variant of Uncertain Significance.

Quest Diagnostics Nichols Institute San Juan Capistrano
Classification: Uncertain significance. Last evaluated: 2025-08-22. Review status: criteria provided, single submitter. Criteria: Quest Diagnostics criteria. Collection method: clinical testing. Allele origin: unknown.
Comment: The BRCA2 c.4649A>G (p.Glu1550Gly) variant has been reported in the published literature in an individual with gynecological cancer (PMID: 33078592 (2020)), and described to be located in a region of the BRCA2 gene that is tolerant to missense sequence changes (PMID: 31911673 (2020)). This variant has not been reported in large, multi-ethnic general populations (Genome Aggregation Database). Analysis of this variant using bioinformatics tools for the prediction of the effect of amino acid changes on protein structure and function yielded predictions that this variant is benign. Based on the available information, we are unable to determine the clinical significance of this variant.

Ambry Genetics
Classification: Uncertain significance for Hereditary cancer-predisposing syndrome. Last evaluated: 2024-06-11. Review status: criteria provided, single submitter. Criteria: Ambry Variant Classification Scheme 2023. Collection method: clinical testing. Allele origin: germline.
Comment: The p.E1550G variant (also known as c.4649A>G), located in coding exon 10 of the BRCA2 gene, results from an A to G substitution at nucleotide position 4649. The glutamic acid at codon 1550 is replaced by glycine, an amino acid with similar properties. This amino acid position is poorly conserved in available vertebrate species. In addition, this alteration is predicted to be tolerated by in silico analysis. Based on the available evidence, the clinical significance of this variant remains unclear.

University of Washington Department of Laboratory Medicine, University of Washington
Classification: Likely benign for Hereditary cancer-predisposing syndrome. Last evaluated: 2023-03-23. Review status: criteria provided, single submitter. Criteria: Dines et al. (Genet Med. 2020). Collection method: curation. Allele origin: germline.
Comment: Missense variant in a coldspot region where missense variants are very unlikely to be pathogenic (PMID:31911673).

BRCA2 exon 11 coldspot. Reclassification based on statistical prior probability.

Color Diagnostics, LLC DBA Color Health
Classification: Uncertain significance for Hereditary cancer-predisposing syndrome. Last evaluated: 2023-03-06. Review status: criteria provided, single submitter. Criteria: ACMG Guidelines, 2015. Collection method: clinical testing. Allele origin: germline.
Comment: This missense variant replaces glutamic acid with glycine at codon 1550 of the BRCA2 protein. Computational prediction suggests that this variant may not impact protein structure and function (internally defined REVEL score threshold <= 0.5, PMID: 27666373). To our knowledge, functional studies have not been reported for this variant. This variant has been reported in one individual affected with ovarian cancer (PMID: 33078592). This variant has not been identified in the general population by the Genome Aggregation Database (gnomAD). The available evidence is insufficient to determine the role of this variant in disease conclusively. Therefore, this variant is classified as a Variant of Uncertain Significance.

Literature cited by the submitters: PubMed 33078592 (cited by 3 submitters); PubMed 36922933 (cited by Labcorp Genetics (formerly Invitae), Labcorp and Quest Diagnostics Nichols Institute San Juan Capistrano); PubMed 31911673 (cited by Quest Diagnostics Nichols Institute San Juan Capistrano).

NM_000059.4(BRCA2):c.4649A>G (p.Glu1550Gly)

Gene: BRCA2 (BRCA2 DNA repair associated; plus strand). Cytogenetic location: 13q13.1.
Variant type: single nucleotide variant.
Coding change: c.4649A>G on transcript NM_000059.4 (MANE Select); coding-DNA position 4649, A replaced by G.
Protein change: p.Glu1550Gly; replaces glutamic acid 1550 with glycine.
Molecular consequence: missense variant.
Genome position (GRCh38, 1-based): chr13:32,339,004, A>G. VCF-style: chr13-32339004-A-G. GRCh37 (hg19) VCF-style: chr13-32913141-A-G.
Other names: short protein forms E1550G.
Identifiers: ClinVar variation 234152 (VCV000234152.20), dbSNP rs876660887, ClinGen allele CA10579627.